The following is an entry in ClinVar:

NM_005633.4(SOS1):c.3841G>A (p.Glu1281Lys)

Gene: SOS1 (SOS Ras/Rac guanine nucleotide exchange factor 1; minus strand). Cytogenetic location: 2p22.1.
Variant type: single nucleotide variant.
Coding change: c.3841G>A on transcript NM_005633.4 (MANE Select); coding-DNA position 3841, G replaced by A.
Protein change: p.Glu1281Lys; replaces glutamic acid 1281 with lysine.
Molecular consequence: missense variant.
Genome position (GRCh38, 1-based): chr2:38,985,985, C>T on the plus strand (G>A on the coding strand, the complement: SOS1 is on the minus strand). VCF-style: chr2-38985985-C-T. GRCh37 (hg19) VCF-style: chr2-39213126-C-T.
Other names: c.3820G>A, p.Glu1274Lys (NM_001382394.1); c.3796G>A, p.Glu1266Lys (NM_001382395.1); short protein forms E1281K, E1266K, E1274K.
Identifiers: ClinVar variation 2001418 (VCV002001418.4), dbSNP rs2124454542, ClinGen allele CA346362211.
Genomic context (GRCh38, chr2:38,985,985, plus strand): 5'-GTTGAGAAGTGCTTTGTCGTGGAGGAACAGGCGGCCCAGCAATGGAATGAAGGTCCACTT[C>T]TTGTGTCAATGGTGGTGATGGCAGATGCCTTCTTGTGCCGTGAGGAGAAGGTGTTTGAGG-3'
Protein context (NP_005624.2, residues 1271-1291): RHLPSPPLTQ[Glu1281Lys]VDLHSIAGPP

ClinVar aggregate classification (germline): Uncertain significance (1 of 4 stars; one submission).

Conditions:
RASopathy. Also called: rasopathies; Noonan spectrum disorder. Identifiers: Orphanet 536391, MedGen C5555857, MONDO:0021060.

Submission:

Labcorp Genetics (formerly Invitae), Labcorp
Classification: Uncertain significance for RASopathy. Last evaluated: 2022-05-31. Review status: criteria provided, single submitter. Criteria: Invitae Variant Classification Sherloc (09022015). Collection method: clinical testing. Allele origin: germline.
Comment: This sequence change replaces glutamic acid, which is acidic and polar, with lysine, which is basic and polar, at codon 1281 of the SOS1 protein (p.Glu1281Lys). This variant is not present in population databases (gnomAD no frequency). This variant has not been reported in the literature in individuals affected with SOS1-related conditions. Advanced modeling of protein sequence and biophysical properties (such as structural, functional, and spatial information, amino acid conservation, physicochemical variation, residue mobility, and thermodynamic stability) performed at Invitae indicates that this missense variant is not expected to disrupt SOS1 protein function. In summary, the available evidence is currently insufficient to determine the role of this variant in disease. Therefore, it has been classified as a Variant of Uncertain Significance.